The following is an entry in ClinVar:

NM_015166.4(MLC1):c.*1773G>C

Gene: MLC1 (modulator of VRAC current 1; minus strand). Cytogenetic location: 22q13.33.
Variant type: single nucleotide variant.
Coding change: c.*1773G>C on transcript NM_015166.4 (MANE Select); 1773 bases downstream of the stop codon, G replaced by C.
Molecular consequence: 3 prime UTR variant. On other transcripts: non-coding transcript variant (3).
Genome position (GRCh38, 1-based): chr22:50,059,810, C>G on the plus strand (G>C on the coding strand, the complement: MLC1 is on the minus strand). VCF-style: chr22-50059810-C-G. GRCh37 (hg19) VCF-style: chr22-50498239-C-G.
Other names: NC_000022.10:g.50498239C>G; c.*1773G>C (NM_001376472.1, NM_001376473.1, NM_001376474.1 and 9 more transcripts); c.*388G>C (NM_001376477.1, NM_001376478.1).
Identifiers: ClinVar variation 342077 (VCV000342077.31), dbSNP rs80312581, ClinGen allele CA10645731.

ClinVar aggregate classification (germline): Benign. Review status: criteria provided, multiple submitters, no conflicts (2 of 4 stars). 3 submissions from 3 submitters: Benign (3). Last evaluated 2023-03-01.

Conditions:
Megalencephalic leukoencephalopathy with subcortical cysts 1 (MLC1). Also called: LEUKOENCEPHALOPATHY WITH SWELLING AND CYSTS; VACUOLATING MEGALENCEPHALIC LEUKOENCEPHALOPATHY WITH SUBCORTICAL CYSTS. Identifiers: Orphanet 2478, MedGen C5779875, MONDO:0024555, OMIM 604004.

Allele frequency attached by ClinVar (database versions not stated): 1000 Genomes Project 0.00479; 1000 Genomes Project 30x 0.00484; TOPMed 0.00800; gnomAD 0.01130; gnomAD exomes 0.01220.
gnomAD v4.1: 1,443 of 152,448 alleles (0.95%); highest among the groups gnomAD compares: Non-Finnish European, 1.5%; 14 homozygotes.

Submissions (4):

CeGaT Center for Human Genetics Tuebingen
Classification: Benign. Last evaluated: 2023-03-01. Review status: criteria provided, single submitter. Criteria: CeGaT Center For Human Genetics Tuebingen Variant Classification Criteria Version 2. Collection method: clinical testing. Allele origin: germline. Affected: yes. Observed: 5 variant alleles.
Comment: MLC1: BS1, BS2

Illumina Laboratory Services, Illumina
Classification: Benign for Megalencephalic leukoencephalopathy with subcortical cysts 1. Last evaluated: 2018-01-13. Review status: criteria provided, single submitter. Criteria: ICSL Variant Classification Criteria 13 December 2019. Collection method: clinical testing. Allele origin: germline.
Comment: This variant was observed in the ICSL laboratory as part of a predisposition screen in an ostensibly healthy population. It had not been previously curated by ICSL or reported in the Human Gene Mutation Database (HGMD: prior to June 1st, 2018), and was therefore a candidate for classification through an automated scoring system. Utilizing variant allele frequency, disease prevalence and penetrance estimates, and inheritance mode, an automated score was calculated to assess if this variant is too frequent to cause the disease. Based on the score and internal cut-off values, a variant classified as benign is not then subjected to further curation. The score for this variant resulted in a classification of benign for this disease.

Breakthrough Genomics
Classification: Benign. Review status: criteria provided, single submitter. Criteria: ACMG Guidelines, 2015. Collection method: not provided. Allele origin: germline. Inheritance: Autosomal recessive inheritance. Affected: yes.

Dr. Peter K. Rogan Lab, Western University
No classification provided (evidence only). Condition: Acute myeloid leukemia. Review status: no classification provided. Collection method: in vitro. Allele origin: not applicable. Functional consequence: retained intron. Not counted in ClinVar's aggregate classification.